The following is an entry in ClinVar:

NM_016333.4(SRRM2):c.572A>G (p.Lys191Arg)

Genes: SRRM2 (serine/arginine repetitive matrix 2; plus strand), LOC126862261 (BRD4-independent group 4 enhancer GRCh37_chr16:2807529-2808728; plus strand). Cytogenetic location: 16p13.3.
Variant type: single nucleotide variant.
Coding change: c.572A>G on transcript NM_016333.4 (MANE Select); coding-DNA position 572, A replaced by G.
Protein change: p.Lys191Arg; replaces lysine 191 with arginine.
Molecular consequence: missense variant.
Genome position (GRCh38, 1-based): chr16:2,758,526, A>G. VCF-style: chr16-2758526-A-G. GRCh37 (hg19) VCF-style: chr16-2808527-A-G.
Other names: short protein forms K191R.
Identifiers: ClinVar variation 4685321 (VCV004685321.1).

ClinVar aggregate classification (germline): Uncertain significance (1 of 4 stars; one submission).

Submission:

GeneDx
Classification: Uncertain significance. Last evaluated: 2025-07-08. Review status: criteria provided, single submitter. Criteria: GeneDx Variant Classification Process June 2021. Collection method: clinical testing. Allele origin: germline. Affected: yes.
Comment: Not observed at significant frequency in large population cohorts (gnomAD); In silico analysis suggests that this missense variant does not alter protein structure/function; Has not been previously published as pathogenic or benign to our knowledge